The following is an entry in ClinVar:

NM_000744.7(CHRNA4):c.1635_1636insTGCCACG (p.Val546fs)

Gene: CHRNA4 (cholinergic receptor nicotinic alpha 4 subunit; minus strand). Cytogenetic location: 20q13.33.
Variant type: Insertion.
Coding change: c.1635_1636insTGCCACG on transcript NM_000744.7 (MANE Select); coding-DNA positions 1635 to 1636, TGCCACG inserted.
Protein change: p.Val546fs; shifts the reading frame from valine 546.
Molecular consequence: frameshift variant. On other transcripts: non-coding transcript variant (1).
Genome position: GRCh38 VCF-style: chr20-63349775-C-CCGTGGCA. GRCh37 (hg19) VCF-style: chr20-61981127-C-CCGTGGCA.
Other names: c.1107_1108insTGCCACG, p.Val370fs (NM_001256573.2); short protein forms V546fs, V370fs.
Identifiers: ClinVar variation 2096266 (VCV002096266.4), dbSNP rs2516537079, ClinGen allele CA2580098386.

ClinVar aggregate classification (germline): Uncertain significance (1 of 4 stars; one submission).

Conditions:
Familial sleep-related hypermotor epilepsy. Also called: Autosomal Dominant Sleep-Related Hypermotor (Hyperkinetic) Epilepsy. Identifiers: Orphanet 98784, MedGen C3696898, MONDO:0000030.

Submission:

Labcorp Genetics (formerly Invitae), Labcorp
Classification: Uncertain significance. Last evaluated: 2023-04-29. Review status: criteria provided, single submitter. Criteria: Invitae Variant Classification Sherloc (09022015). Collection method: clinical testing. Allele origin: germline.
Comment: In summary, the available evidence is currently insufficient to determine the role of this variant in disease. Therefore, it has been classified as a Variant of Uncertain Significance. Experimental studies and prediction algorithms are not available or were not evaluated, and the functional significance of this variant is currently unknown. ClinVar contains an entry for this variant (Variation ID: 2096266). This frameshift has been observed in at least one individual who was not affected with CHRNA4-related conditions (Invitae). This variant has not been reported in the literature in individuals affected with CHRNA4-related conditions. This variant is not present in population databases (gnomAD no frequency). This sequence change results in a frameshift in the CHRNA4 gene (p.Val546Cysfs*204). While this is not anticipated to result in nonsense mediated decay, it is expected to disrupt the last 82 amino acid(s) of the CHRNA4 protein and extend the protein by 121 additional amino acid residues.